The following is an entry in ClinVar:

ClinVar aggregate classification (germline): Conflicting classifications of pathogenicity. Review status: criteria provided, conflicting classifications (1 of 4 stars). 3 submissions from 3 submitters: Likely pathogenic (1); Uncertain significance (1). 1 of the submissions does not count toward it. Last evaluated 2023-05-01.

Conditions:
Nonsyndromic Oculocutaneous Albinism.
Oculocutaneous albinism type 1A (OCA1A). Also called: Albinism, oculocutaneous, type IA. Identifiers: Orphanet 352731, Orphanet 79431, MedGen C4551504, MONDO:0008745, OMIM 203100. Disease mechanism: loss of function.

Allele frequency attached by ClinVar (database versions not stated): gnomAD exomes below 0.00001; ExAC 0.00001; 1000 Genomes Project 0.00020.

Submissions (3):

Labcorp Genetics (formerly Invitae), Labcorp
Classification: Likely pathogenic. Last evaluated: 2023-05-01. Review status: criteria provided, single submitter. Criteria: Invitae Variant Classification Sherloc (09022015). Collection method: clinical testing. Allele origin: germline.
Comment: ClinVar contains an entry for this variant (Variation ID: 617794). In summary, the currently available evidence indicates that the variant is pathogenic, but additional data are needed to prove that conclusively. Therefore, this variant has been classified as Likely Pathogenic. This variant disrupts the p.Cys55 amino acid residue in TYR. Other variant(s) that disrupt this residue have been determined to be pathogenic (PMID: 18463683, 19865097, 31077556). This suggests that this residue is clinically significant, and that variants that disrupt this residue are likely to be disease-causing. Experimental studies have shown that this missense change affects TYR function (PMID: 28266639). Advanced modeling of protein sequence and biophysical properties (such as structural, functional, and spatial information, amino acid conservation, physicochemical variation, residue mobility, and thermodynamic stability) performed at Invitae indicates that this missense variant is expected to disrupt TYR protein function. This missense change has been observed in individual(s) with ocular albinism (PMID: 28266639). This variant is present in population databases (rs28940879, gnomAD 0.007%). This sequence change replaces cysteine, which is neutral and slightly polar, with serine, which is neutral and polar, at codon 55 of the TYR protein (p.Cys55Ser).

Baylor-Hopkins Center for Mendelian Genomics, Johns Hopkins University School of Medicine
Classification: Uncertain significance for Oculocutaneous albinism type 1A. Review status: criteria provided, single submitter. Criteria: ACMG Guidelines, 2015. Collection method: research. Allele origin: germline. Affected: yes. Observed: 2 variant alleles, 2 homozygotes.

University of Washington Center for Mendelian Genomics, University of Washington
Classification: Likely pathogenic for Nonsyndromic Oculocutaneous Albinism. Last evaluated: 2017-03-07. Review status: no assertion criteria provided. Collection method: research. Allele origin: unknown. Affected: yes. Observed: 1 homozygote. Not counted in ClinVar's aggregate classification.

Literature cited by the submitters: PubMed 18463683 (cited by Labcorp Genetics (formerly Invitae), Labcorp); PubMed 19865097 (cited by Labcorp Genetics (formerly Invitae), Labcorp); PubMed 31077556 (cited by Labcorp Genetics (formerly Invitae), Labcorp); PubMed 28266639 (cited by Labcorp Genetics (formerly Invitae), Labcorp and University of Washington Center for Mendelian Genomics, University of Washington).

NM_000372.5(TYR):c.164G>C (p.Cys55Ser)

Gene: TYR (tyrosinase; plus strand). Cytogenetic location: 11q14.3.
Variant type: single nucleotide variant.
Coding change: c.164G>C on transcript NM_000372.5 (MANE Select); coding-DNA position 164, G replaced by C.
Protein change: p.Cys55Ser; replaces cysteine 55 with serine.
Molecular consequence: missense variant.
Genome position (GRCh38, 1-based): chr11:89,178,117, G>C. VCF-style: chr11-89178117-G-C. GRCh37 (hg19) VCF-style: chr11-88911285-G-C.
Other names: short protein forms C55S.
Identifiers: ClinVar variation 617794 (VCV000617794.7), dbSNP rs28940879, ClinGen allele CA6221052.